The following is an entry in ClinVar:

ClinVar aggregate classification (germline): Uncertain significance (1 of 4 stars; one submission).

Conditions:
Immunodeficiency 39 (IMD39). Identifiers: Orphanet 574918, MedGen C4225358, MONDO:0014597, OMIM 616345.

Submission:

Labcorp Genetics (formerly Invitae), Labcorp
Classification: Uncertain significance for Immunodeficiency 39. Last evaluated: 2024-05-21. Review status: criteria provided, single submitter. Criteria: Invitae Variant Classification Sherloc (09022015). Collection method: clinical testing. Allele origin: germline.
Comment: This sequence change replaces glutamine, which is neutral and polar, with arginine, which is basic and polar, at codon 479 of the IRF7 protein (p.Gln479Arg). This variant is not present in population databases (gnomAD no frequency). This variant has not been reported in the literature in individuals affected with IRF7-related conditions. Advanced modeling of protein sequence and biophysical properties (such as structural, functional, and spatial information, amino acid conservation, physicochemical variation, residue mobility, and thermodynamic stability) performed at Invitae indicates that this missense variant is not expected to disrupt IRF7 protein function with a negative predictive value of 80%. In summary, the available evidence is currently insufficient to determine the role of this variant in disease. Therefore, it has been classified as a Variant of Uncertain Significance.

NM_001572.5(IRF7):c.1397A>G (p.Gln466Arg)

Gene: IRF7 (interferon regulatory factor 7; minus strand). Cytogenetic location: 11p15.5.
Variant type: single nucleotide variant.
Coding change: c.1397A>G on transcript NM_001572.5 (MANE Select); coding-DNA position 1397, A replaced by G.
Protein change: p.Gln466Arg; replaces glutamine 466 with arginine.
Molecular consequence: missense variant.
Genome position (GRCh38, 1-based): chr11:612,760, T>C on the plus strand (A>G on the coding strand, the complement: IRF7 is on the minus strand). VCF-style: chr11-612760-T-C. GRCh37 (hg19) VCF-style: chr11-612760-T-C.
Other names: c.1310A>G, p.Gln437Arg (NM_004029.4); c.1436A>G, p.Gln479Arg (NM_004031.4); short protein forms Q437R, Q466R, Q479R.
Identifiers: ClinVar variation 3623965 (VCV003623965.2).
Genomic context (GRCh38, chr11:612,760, plus strand): 5'-TTGGCGCTGGACAGGCAGAGGCTGAGGCTGCTGCTATCCAGGGAAGACACACCCTCACGC[T>C]GCGTGCCCTCTAGGTGCACTCGGCACAGCCAGGGTTCCAGCTGCCAGGAGGGATCGGGCG-3'
Protein context (NP_001563.2, residues 456-476): WLCRVHLEGT[Gln466Arg]REGVSSLDSS